The following is an entry in ClinVar:

NM_001035.3(RYR2):c.5653G>C (p.Gly1885Arg)

Gene: RYR2 (ryanodine receptor 2; plus strand). Cytogenetic location: 1q43.
Variant type: single nucleotide variant.
Coding change: c.5653G>C on transcript NM_001035.3 (MANE Select); coding-DNA position 5653, G replaced by C.
Protein change: p.Gly1885Arg; replaces glycine 1885 with arginine.
Molecular consequence: missense variant.
Genome position (GRCh38, 1-based): chr1:237,614,781, G>C. VCF-style: chr1-237614781-G-C. GRCh37 (hg19) VCF-style: chr1-237778081-G-C.
Other names: short protein forms G1885R.
Identifiers: ClinVar variation 1022790 (VCV001022790.51), dbSNP rs200197527, ClinGen allele CA345405649.
Genomic context (GRCh38, chr1:237,614,781, plus strand): 5'-GAGAAAGAGCTCAGTGTGGACGATGCAAAGCTGCAAGGAGCTGGTGAGGAAGAAGCCAAG[G>C]GGGGCAAGCGGCCCAAGGAAGGCCTGCTCCAAATGAAACTGCCAGAGCCAGTTAAATTGC-3'
Protein context (NP_001026.2, residues 1875-1895): LQGAGEEEAK[Gly1885Arg]GKRPKEGLLQ

ClinVar aggregate classification (germline): Uncertain significance. Review status: criteria provided, multiple submitters, no conflicts (2 of 4 stars). 4 submissions from 4 submitters: Uncertain significance (4). Last evaluated 2024-03-06.

Conditions:
Catecholaminergic polymorphic ventricular tachycardia 1. Also called: RYR2-Related Catecholaminergic Polymorphic Ventricular Tachycardia; VENTRICULAR TACHYCARDIA, CATECHOLAMINERGIC POLYMORPHIC, 1, WITH OR WITHOUT ATRIAL DYSFUNCTION AND/OR DILATED CARDIOMYOPATHY; VENTRICULAR TACHYCARDIA, STRESS-INDUCED POLYMORPHIC 1. Identifiers: Orphanet 3286, MedGen C1631597, MONDO:0011484, OMIM 604772.
Catecholaminergic polymorphic ventricular tachycardia (CVPT). Also called: Catecholamine-induced polymorphic ventricular tachycardia. Identifiers: Orphanet 3286, MedGen C5574922, MONDO:0017990.
Cardiovascular phenotype. Identifiers: MedGen CN230736.
Cardiomyopathy (CMYO). Also called: Cardiomyopathies. Identifiers: Orphanet 167848, MedGen C0878544, MONDO:0004994, HP:0001638. Inheritance: Various modes of inheritance.

gnomAD v4.1: 6 of 1,610,042 alleles (0.00037%); highest among the groups gnomAD compares: Middle Eastern, 0.017%; no homozygotes.

Submissions (4):

Color Diagnostics, LLC DBA Color Health
Classification: Uncertain significance for Cardiomyopathy. Last evaluated: 2024-03-06. Review status: criteria provided, single submitter. Criteria: ACMG Guidelines, 2015. Collection method: clinical testing. Allele origin: germline.
Comment: This missense variant replaces glycine with arginine at codon 1885 of the RYR2 protein. Computational prediction suggests that this variant may not impact protein structure and function. To our knowledge, functional studies have not been reported for this variant. This variant has not been reported in individuals affected with RYR2-related disorders in the literature. This variant has not been identified in the general population by the Genome Aggregation Database (gnomAD). The available evidence is insufficient to determine the role of this variant in disease conclusively. Therefore, this variant is classified as a Variant of Uncertain Significance.

All of Us Research Program, National Institutes of Health
Classification: Uncertain significance for Catecholaminergic polymorphic ventricular tachycardia. Last evaluated: 2023-05-16. Review status: criteria provided, single submitter. Criteria: ACMG Guidelines, 2015. Collection method: clinical testing. Allele origin: germline. Inheritance: Autosomal dominant inheritance. Observed: 1 variant allele, 1 heterozygote.
Comment: This missense variant replaces glycine with arginine at codon 1885 of the RYR2 protein. Computational prediction suggests that this variant may not impact protein structure and function (internally defined REVEL score threshold <= 0.5, PMID: 27666373). To our knowledge, functional studies have not been reported for this variant. This variant has not been reported in individuals affected with RYR2-related disorders in the literature. This variant has not been identified in the general population by the Genome Aggregation Database (gnomAD). The available evidence is insufficient to determine the role of this variant in disease conclusively. Therefore, this variant is classified as a Variant of Uncertain Significance.

This study involves interpretation of variants in research participants for the purpose of population health screening. Participant phenotype was not available at the time of variant classification. Additional details can be found in publication PMID: 35346344, PMCID: PMC8962531

Ambry Genetics
Classification: Uncertain significance for Cardiovascular phenotype. Last evaluated: 2022-07-26. Review status: criteria provided, single submitter. Criteria: Ambry Variant Classification Scheme 2023. Collection method: clinical testing. Allele origin: germline.
Comment: The p.G1885R variant (also known as c.5653G>C), located in coding exon 37 of the RYR2 gene, results from a G to C substitution at nucleotide position 5653. The glycine at codon 1885 is replaced by arginine, an amino acid with dissimilar properties. This amino acid position is not well conserved in available vertebrate species. In addition, this alteration is predicted to be tolerated by in silico analysis. Since supporting evidence is limited at this time, the clinical significance of this alteration remains unclear.

Labcorp Genetics (formerly Invitae), Labcorp
Classification: Uncertain significance for Catecholaminergic polymorphic ventricular tachycardia 1. Last evaluated: 2020-02-18. Review status: criteria provided, single submitter. Criteria: Invitae Variant Classification Sherloc (09022015). Collection method: clinical testing. Allele origin: germline.
Comment: This variant has not been reported in the literature in individuals with RYR2-related conditions. This sequence change replaces glycine with arginine at codon 1885 of the RYR2 protein (p.Gly1885Arg). The glycine residue is moderately conserved and there is a moderate physicochemical difference between glycine and arginine. This variant is not present in population databases (ExAC no frequency). Algorithms developed to predict the effect of missense changes on protein structure and function are either unavailable or do not agree on the potential impact of this missense change (SIFT: "Deleterious"; PolyPhen-2: "Benign"; Align-GVGD: "Class C0"). In summary, the available evidence is currently insufficient to determine the role of this variant in disease. Therefore, it has been classified as a Variant of Uncertain Significance.